The following is an entry in ClinVar:

ClinVar aggregate classification (germline): Uncertain significance (1 of 4 stars; one submission).

gnomAD v4.1: 1 of 1,613,752 alleles (0.000062%); highest among the groups gnomAD compares: Admixed American, 0.0017%; no homozygotes.

Submission:

Labcorp Genetics (formerly Invitae), Labcorp
Classification: Uncertain significance. Last evaluated: 2022-02-04. Review status: criteria provided, single submitter. Criteria: Invitae Variant Classification Sherloc (09022015). Collection method: clinical testing. Allele origin: germline.
Comment: In summary, the available evidence is currently insufficient to determine the role of this variant in disease. Therefore, it has been classified as a Variant of Uncertain Significance. Algorithms developed to predict the effect of missense changes on protein structure and function are either unavailable or do not agree on the potential impact of this missense change (SIFT: "Tolerated"; PolyPhen-2: "Possibly Damaging"; Align-GVGD: "Class C0"). ClinVar contains an entry for this variant (Variation ID: 960313). This variant has not been reported in the literature in individuals affected with PCDH15-related conditions. This variant is not present in population databases (gnomAD no frequency). This sequence change replaces alanine, which is neutral and non-polar, with threonine, which is neutral and polar, at codon 238 of the PCDH15 protein (p.Ala238Thr).

NM_001384140.1(PCDH15):c.712G>A (p.Ala238Thr)

Gene: PCDH15 (protocadherin related 15; minus strand). Cytogenetic location: 10q21.1.
Variant type: single nucleotide variant.
Coding change: c.712G>A on transcript NM_001384140.1 (MANE Select); coding-DNA position 712, G replaced by A.
Protein change: p.Ala238Thr; replaces alanine 238 with threonine.
Molecular consequence: missense variant.
Genome position (GRCh38, 1-based): chr10:54,317,435, C>T on the plus strand (G>A on the coding strand, the complement: PCDH15 is on the minus strand). VCF-style: chr10-54317435-C-T. GRCh37 (hg19) VCF-style: chr10-56077195-C-T.
Other names: c.727G>A, p.Ala243Thr (NM_001142763.2, NM_001142769.4, NM_001142771.2); c.712G>A, p.Ala238Thr (NM_001142764.2, NM_001142765.2, NM_001142766.2 and 7 more transcripts); c.601G>A, p.Ala201Thr (NM_001142767.2); c.646G>A, p.Ala216Thr (NM_001142768.2, NM_001142773.2, NM_001354404.2); short protein forms A201T, A238T, A216T, A243T.
Identifiers: ClinVar variation 960313 (VCV000960313.9), dbSNP rs957945054, ClinGen allele CA376541091.
Genomic context (GRCh38, chr10:54,317,435, plus strand): 5'-CATCCAGAACATCCACTGTGAGAGTGGTGGTGGTGGTTCGCCTCTCATTCAGATTTTGGG[C>T]ACGGTCCTGTTAGGGAGAAAAACAAACAACAGGTAGTTTATAGAAATTAGGCACAATAGC-3'
Protein context (NP_001371069.1, residues 228-248): YFVIIQANDR[Ala238Thr]QNLNERRTTT